The following is an entry in ClinVar:

ClinVar aggregate classification (germline): Conflicting classifications of pathogenicity. Review status: criteria provided, conflicting classifications (1 of 4 stars). 2 submissions from 2 submitters: Likely pathogenic (1); Uncertain significance (1). Last evaluated 2023-12-19.

Conditions:
Multiple acyl-CoA dehydrogenase deficiency (MADD). Also called: Glutaric aciduria, type 2; Glutaric acidemia type II; GA 2; ETHYLMALONIC-ADIPICACIDURIA; GA II; Glutaric Acidemia type 2. Identifiers: Orphanet 26791, MedGen C0268596, MONDO:0009282, OMIM 231680.

Allele frequency attached by ClinVar (database versions not stated): ExAC 0.00001; gnomAD exomes 0.00002.
gnomAD v4.1: 35 of 1,606,430 alleles (0.0022%); highest among the groups gnomAD compares: Non-Finnish European, 0.0029%; no homozygotes.

Submissions (2):

Baylor Genetics
Classification: Likely pathogenic for Multiple acyl-CoA dehydrogenase deficiency. Last evaluated: 2023-12-19. Review status: criteria provided, single submitter. Criteria: ACMG Guidelines, 2015. Collection method: clinical testing. Allele origin: unknown.

Women's Health and Genetics/Laboratory Corporation of America, LabCorp
Classification: Uncertain significance. Last evaluated: 2023-11-29. Review status: criteria provided, single submitter. Criteria: LabCorp Variant Classification Summary - May 2015. Collection method: clinical testing. Allele origin: germline.
Comment: Variant summary: ETFDH c.508G>T (p.Gly170Cys) results in a non-conservative amino acid change in the encoded protein sequence. Five of five in-silico tools predict a damaging effect of the variant on protein function. The variant allele was found at a frequency of 1.6e-05 in 251204 control chromosomes. The available data on variant occurrences in the general population are insufficient to allow any conclusion about variant significance. c.508G>T has been reported in the literature in at least one compound heterozygous individual affected with riboflavin-responsive mild multiple acyl-CoA dehydrogenation deficiency (e.g. Olsen_2007). These data do not allow any conclusion about variant significance. One publication reports experimental evidence evaluating an impact on protein function, showing reduced ETF-QO protein levels responsive to riboflavin supplementation, however, does not provide sufficient evidence to determine the variant effect in disease (e.g. Cornelius_2013). The following publications have been ascertained in the context of this evaluation (PMID: 23727839, 17584774). No submitters have cited clinical-significance assessments for this variant to ClinVar after 2014. Based on the evidence outlined above, the variant was classified as uncertain significance.

Literature cited by the submitters: PubMed 17584774 (cited by Women's Health and Genetics/Laboratory Corporation of America, LabCorp); PubMed 23727839 (cited by Women's Health and Genetics/Laboratory Corporation of America, LabCorp).

NM_004453.4(ETFDH):c.508G>T (p.Gly170Cys)

Gene: ETFDH (electron transfer flavoprotein dehydrogenase; plus strand). Cytogenetic location: 4q32.1.
Variant type: single nucleotide variant.
Coding change: c.508G>T on transcript NM_004453.4 (MANE Select); coding-DNA position 508, G replaced by T.
Protein change: p.Gly170Cys; replaces glycine 170 with cysteine.
Molecular consequence: missense variant.
Genome position (GRCh38, 1-based): chr4:158,685,121, G>T. VCF-style: chr4-158685121-G-T. GRCh37 (hg19) VCF-style: chr4-159606273-G-T.
Other names: c.367G>T, p.Gly123Cys (NM_001281737.2); c.325G>T, p.Gly109Cys (NM_001281738.1); short protein forms G109C, G123C, G170C.
Identifiers: ClinVar variation 2682296 (VCV002682296.2), dbSNP rs775548362, ClinGen allele CA3122383.